The following is an entry in ClinVar:

NC_000007.13:g.(?_6026370)_(6064452_?)dup

Genes: AIMP2 (aminoacyl tRNA synthetase complex interacting multifunctional protein 2; plus strand), EIF2AK1 (eukaryotic translation initiation factor 2 alpha kinase 1; minus strand), PMS2 (PMS1 homolog 2, mismatch repair system component; minus strand). Cytogenetic location: 7p22.1.
Variant type: Duplication.
Identifiers: ClinVar variation 3245907 (VCV003245907.1).

ClinVar aggregate classification (germline): Uncertain significance (1 of 4 stars; one submission).

Submission:

Labcorp Genetics (formerly Invitae), Labcorp
Classification: Uncertain significance. Last evaluated: 2023-02-16. Review status: criteria provided, single submitter. Criteria: Invitae Variant Classification Sherloc (09022015). Collection method: clinical testing. Allele origin: unknown.
Comment: This variant results in a copy number gain of the genomic region encompassing exon(s) 15 of the EIF2AK1 gene. This region includes the termination codon of the gene. This copy number gain extends beyond the assayed region for this gene and therefore may encompass additional genes. As the precise location of this event is unknown, it may be in tandem or it may be located elsewhere in the genome. This variant has not been reported in the literature in individuals affected with EIF2AK1-related conditions. Experimental studies and prediction algorithms are not available or were not evaluated, and the functional significance of this variant is currently unknown. In summary, the available evidence is currently insufficient to determine the role of this variant in disease. Therefore, it has been classified as a Variant of Uncertain Significance.